The following is an entry in ClinVar:

NM_182914.3(SYNE2):c.10070A>G (p.Tyr3357Cys)

Gene: SYNE2 (spectrin repeat containing nuclear envelope protein 2; plus strand). Cytogenetic location: 14q23.2.
Variant type: single nucleotide variant.
Coding change: c.10070A>G on transcript NM_182914.3 (MANE Select); coding-DNA position 10070, A replaced by G.
Protein change: p.Tyr3357Cys; replaces tyrosine 3357 with cysteine.
Molecular consequence: missense variant.
Genome position (GRCh38, 1-based): chr14:64,062,753, A>G. VCF-style: chr14-64062753-A-G. GRCh37 (hg19) VCF-style: chr14-64529471-A-G.
Other names: c.10070A>G (NM_182914.2); c.10070A>G, p.Tyr3357Cys (NM_015180.6); short protein forms Y3357C.
Identifiers: ClinVar variation 1389212 (VCV001389212.9), dbSNP rs1034591406, ClinGen allele CA261846125.

ClinVar aggregate classification (germline): Conflicting classifications of pathogenicity. Review status: criteria provided, conflicting classifications (1 of 4 stars). 2 submissions from 2 submitters: Uncertain significance (1); Likely benign (1). Last evaluated 2023-12-12.

Conditions:
Emery-Dreifuss muscular dystrophy 5, autosomal dominant (EDMD5). Also called: EMERY-DREIFUSS MUSCULAR DYSTROPHY 5. Identifiers: Orphanet 261, MedGen C2751805, MONDO:0013072, OMIM 612999.

Allele frequency attached by ClinVar (database versions not stated): gnomAD exomes below 0.00001; TOPMed 0.00001.
gnomAD v4.1: 2 of 1,613,046 alleles (0.00012%); highest among the groups gnomAD compares: East Asian, 0.0022%; no homozygotes.

Submissions (2):

Ambry Genetics
Classification: Likely benign. Last evaluated: 2023-12-12. Review status: criteria provided, single submitter. Criteria: Ambry Variant Classification Scheme 2023. Collection method: clinical testing. Allele origin: germline.

Labcorp Genetics (formerly Invitae), Labcorp
Classification: Uncertain significance for Emery-Dreifuss muscular dystrophy 5, autosomal dominant. Last evaluated: 2023-06-15. Review status: criteria provided, single submitter. Criteria: Invitae Variant Classification Sherloc (09022015). Collection method: clinical testing. Allele origin: germline.
Comment: In summary, the available evidence is currently insufficient to determine the role of this variant in disease. Therefore, it has been classified as a Variant of Uncertain Significance. Algorithms developed to predict the effect of missense changes on protein structure and function output the following: SIFT: "Not Available"; PolyPhen-2: "Benign"; Align-GVGD: "Not Available". The cysteine amino acid residue is found in multiple mammalian species, which suggests that this missense change does not adversely affect protein function. ClinVar contains an entry for this variant (Variation ID: 1389212). This variant has not been reported in the literature in individuals affected with SYNE2-related conditions. This variant is present in population databases (no rsID available, gnomAD 0.006%). This sequence change replaces tyrosine, which is neutral and polar, with cysteine, which is neutral and slightly polar, at codon 3357 of the SYNE2 protein (p.Tyr3357Cys).